The following is an entry in ClinVar:

ClinVar aggregate classification (germline): Uncertain significance (1 of 4 stars; one submission).

Submission:

Labcorp Genetics (formerly Invitae), Labcorp
Classification: Uncertain significance. Last evaluated: 2023-09-10. Review status: criteria provided, single submitter. Criteria: Invitae Variant Classification Sherloc (09022015). Collection method: clinical testing. Allele origin: germline.
Comment: Advanced modeling of protein sequence and biophysical properties (such as structural, functional, and spatial information, amino acid conservation, physicochemical variation, residue mobility, and thermodynamic stability) performed at Invitae indicates that this missense variant is expected to disrupt DRP2 protein function. In summary, the available evidence is currently insufficient to determine the role of this variant in disease. Therefore, it has been classified as a Variant of Uncertain Significance. This variant has not been reported in the literature in individuals affected with DRP2-related conditions. This variant is present in population databases (no rsID available, gnomAD 0.001%). This sequence change replaces alanine, which is neutral and non-polar, with glycine, which is neutral and non-polar, at codon 768 of the DRP2 protein (p.Ala768Gly).

NM_001939.3(DRP2):c.2303C>G (p.Ala768Gly)

Gene: DRP2 (dystrophin related protein 2; plus strand). Cytogenetic location: Xq22.1.
Variant type: single nucleotide variant.
Coding change: c.2303C>G on transcript NM_001939.3 (MANE Select); coding-DNA position 2303, C replaced by G.
Protein change: p.Ala768Gly; replaces alanine 768 with glycine.
Molecular consequence: missense variant.
Genome position (GRCh38, 1-based): chrX:101,256,174, C>G. VCF-style: chrX-101256174-C-G. GRCh37 (hg19) VCF-style: chrX-100511163-C-G.
Other names: c.2069C>G, p.Ala690Gly (NM_001171184.2); short protein forms A690G, A768G.
Identifiers: ClinVar variation 2792805 (VCV002792805.3), dbSNP rs1311588775, ClinGen allele CA413908912.
Genomic context (GRCh38, chrX:101,256,174, plus strand): 5'-GCAGAGACGAGGACCAGTACCTGCTGCGGCACTCCAGCCCCATCACAGACCGGGAGCCAG[C>G]CTTTGGACAGCAGGCTCCATGCAGTGTGGCCACAGAAAGCAAAGGGGAGCTACAGAAGAT-3'
Protein context (NP_001930.2, residues 758-778): HSSPITDREP[Ala768Gly]FGQQAPCSVA